The following is an entry in ClinVar:

ClinVar aggregate classification (germline): Likely benign. Review status: criteria provided, single submitter (1 of 4 stars). 2 submissions from 2 submitters: Likely benign (1). 1 of the submissions does not count toward it. Last evaluated 2024-06-24.

Conditions:
ERBB4-related disorder. Also called: ERBB4-related condition.

Allele frequency attached by ClinVar (database versions not stated): ExAC 0.00001.
gnomAD v4.1: 3 of 1,613,352 alleles (0.00019%); highest among the groups gnomAD compares: Non-Finnish European, 0.00025%; no homozygotes.

Submissions (2):

Labcorp Genetics (formerly Invitae), Labcorp
Classification: Likely benign. Last evaluated: 2024-06-24. Review status: criteria provided, single submitter. Criteria: Invitae Variant Classification Sherloc (09022015). Collection method: clinical testing. Allele origin: germline.

PreventionGenetics, part of Exact Sciences
Classification: Likely benign for ERBB4-related condition. Last evaluated: 2023-07-11. Review status: no assertion criteria provided. Collection method: clinical testing. Allele origin: germline. Not counted in ClinVar's aggregate classification.
Comment: This variant is classified as likely benign based on ACMG/AMP sequence variant interpretation guidelines (Richards et al. 2015 PMID: 25741868, with internal and published modifications).

NM_005235.3(ERBB4):c.1965T>C (p.Ala655=)

Gene: ERBB4 (erb-b2 receptor tyrosine kinase 4; minus strand). Cytogenetic location: 2q34.
Variant type: single nucleotide variant.
Coding change: c.1965T>C on transcript NM_005235.3 (MANE Select); coding-DNA position 1965, T replaced by C.
Protein change: p.Ala655=; no amino-acid change (alanine 655 retained).
Molecular consequence: synonymous variant.
Genome position (GRCh38, 1-based): chr2:211,630,576, A>G on the plus strand (T>C on the coding strand, the complement: ERBB4 is on the minus strand). VCF-style: chr2-211630576-A-G. GRCh37 (hg19) VCF-style: chr2-212495301-A-G.
Other names: c.1965T>C, p.Ala655= (NM_001042599.2).
Identifiers: ClinVar variation 2989675 (VCV002989675.5), dbSNP rs767533097, ClinGen allele CA2087893.
Genomic context (GRCh38, chr2:211,630,576, plus strand): 5'-AACATAAACAGCAAATGTCAGACCCACAATGACCAGAATGAAGAGCCCACCAATTACTCC[A>G]GCTGCAATCAGGGGAGTTCTGACAACCAGAATGAGAAAAAAAAAAATAAAAAGTATGAAG-3'
Protein context (NP_005226.1, residues 645-665): PQHARTPLIA[Ala655=]GVIGGLFILV